The following is an entry in ClinVar:

ClinVar aggregate classification (germline): Uncertain significance. Review status: criteria provided, multiple submitters, no conflicts (2 of 4 stars). 2 submissions from 2 submitters: Uncertain significance (2). Last evaluated 2022-06-22.

Allele frequency attached by ClinVar (database versions not stated): TOPMed below 0.00001; gnomAD exomes 0.00001.
gnomAD v4.1: 7 of 1,614,256 alleles (0.00043%); highest among the groups gnomAD compares: Non-Finnish European, 0.00059%; no homozygotes.

Submissions (2):

Blueprint Genetics
Classification: Uncertain significance. Last evaluated: 2022-06-22. Review status: criteria provided, single submitter. Criteria: ACMG Guidelines, 2015. Collection method: clinical testing. Allele origin: germline.

Labcorp Genetics (formerly Invitae), Labcorp
Classification: Uncertain significance. Last evaluated: 2020-03-05. Review status: criteria provided, single submitter. Criteria: Invitae Variant Classification Sherloc (09022015). Collection method: clinical testing. Allele origin: germline.
Comment: Algorithms developed to predict the effect of missense changes on protein structure and function are either unavailable or do not agree on the potential impact of this missense change (SIFT: "Tolerated"; PolyPhen-2: "Possibly Damaging"; Align-GVGD: "Class C0"). This sequence change replaces isoleucine with valine at codon 262 of the TEAD1 protein (p.Ile262Val). The isoleucine residue is highly conserved and there is a small physicochemical difference between isoleucine and valine. This variant is not present in population databases (ExAC no frequency). This variant has not been reported in the literature in individuals with TEAD1-related conditions. Algorithms developed to predict the effect of sequence changes on RNA splicing suggest that this variant may create or strengthen a splice site, but this prediction has not been confirmed by published transcriptional studies. In summary, the available evidence is currently insufficient to determine the role of this variant in disease. Therefore, it has been classified as a Variant of Uncertain Significance.

NM_021961.6(TEAD1):c.784A>G (p.Ile262Val)

Gene: TEAD1 (TEA domain transcription factor 1; plus strand). Cytogenetic location: 11p15.3.
Variant type: single nucleotide variant.
Coding change: c.784A>G on transcript NM_021961.6 (MANE Select); coding-DNA position 784, A replaced by G.
Protein change: p.Ile262Val; replaces isoleucine 262 with valine.
Molecular consequence: missense variant.
Genome position (GRCh38, 1-based): chr11:12,902,024, A>G. VCF-style: chr11-12902024-A-G. GRCh37 (hg19) VCF-style: chr11-12923571-A-G.
Other names: short protein forms I262V.
Identifiers: ClinVar variation 1037592 (VCV001037592.9), dbSNP rs1948434074, ClinGen allele CA379714547.
Genomic context (GRCh38, chr11:12,902,024, plus strand): 5'-ATTGGGCATGCCAACCATTCTTACAGTGACCCATTGCTTGAATCAGTGGACATTCGTCAG[A>G]TTTATGACAAATTTCCTGAAAAGAAAGGTGGCTTAAAGGAACTGTTTGGAAAGGGCCCTC-3'
Protein context (NP_068780.2, residues 252-272): PLLESVDIRQ[Ile262Val]YDKFPEKKGG